The following is an entry in ClinVar:

NM_000098.3(CPT2):c.86C>G (p.Ser29Cys)

Genes: CPT2 (carnitine palmitoyltransferase 2; plus strand), LOC129930561 (ATAC-STARR-seq lymphoblastoid silent region 902; plus strand). Cytogenetic location: 1p32.3.
Variant type: single nucleotide variant.
Coding change: c.86C>G on transcript NM_000098.3 (MANE Select); coding-DNA position 86, C replaced by G.
Protein change: p.Ser29Cys; replaces serine 29 with cysteine.
Molecular consequence: missense variant.
Genome position (GRCh38, 1-based): chr1:53,197,029, C>G. VCF-style: chr1-53197029-C-G. GRCh37 (hg19) VCF-style: chr1-53662701-C-G.
Other names: c.86C>G, p.Ser29Cys (NM_001330589.2); short protein forms S29C.
Identifiers: ClinVar variation 1913148 (VCV001913148.2), dbSNP rs1350053065, ClinGen allele CA340388712.

ClinVar aggregate classification (germline): Uncertain significance (1 of 4 stars; one submission).

Conditions:
Carnitine palmitoyltransferase II deficiency. Also called: Carnitine Palmitoyltransferase 2 Deficiency. Identifiers: Orphanet 157, MedGen C0342790, MONDO:0015515.

Allele frequency attached by ClinVar (database versions not stated): TOPMed below 0.00001.
gnomAD v4.1: 6 of 1,536,648 alleles (0.00039%); highest among the groups gnomAD compares: Non-Finnish European, 0.00052%; no homozygotes.

Submission:

Labcorp Genetics (formerly Invitae), Labcorp
Classification: Uncertain significance for Carnitine palmitoyltransferase II deficiency. Last evaluated: 2022-03-10. Review status: criteria provided, single submitter. Criteria: Invitae Variant Classification Sherloc (09022015). Collection method: clinical testing. Allele origin: germline.
Comment: This sequence change replaces serine, which is neutral and polar, with cysteine, which is neutral and slightly polar, at codon 29 of the CPT2 protein (p.Ser29Cys). This variant is not present in population databases (gnomAD no frequency). This variant has not been reported in the literature in individuals affected with CPT2-related conditions. Advanced modeling of protein sequence and biophysical properties (such as structural, functional, and spatial information, amino acid conservation, physicochemical variation, residue mobility, and thermodynamic stability) performed at Invitae indicates that this missense variant is not expected to disrupt CPT2 protein function. In summary, the available evidence is currently insufficient to determine the role of this variant in disease. Therefore, it has been classified as a Variant of Uncertain Significance.